The following is an entry in ClinVar:

NM_018149.7(SMG8):c.1571A>G (p.His524Arg)

Gene: SMG8 (SMG8 nonsense mediated mRNA decay factor; plus strand). Cytogenetic location: 17q22.
Variant type: single nucleotide variant.
Coding change: c.1571A>G on transcript NM_018149.7 (MANE Select); coding-DNA position 1571, A replaced by G.
Protein change: p.His524Arg; replaces histidine 524 with arginine.
Molecular consequence: missense variant.
Genome position (GRCh38, 1-based): chr17:59,211,622, A>G. VCF-style: chr17-59211622-A-G. GRCh37 (hg19) VCF-style: chr17-57288983-A-G.
Other names: short protein forms H524R.
Identifiers: ClinVar variation 4689901 (VCV004689901.1).

ClinVar aggregate classification (germline): Uncertain significance (1 of 4 stars; one submission).

Submission:

GeneDx
Classification: Uncertain significance. Last evaluated: 2025-07-29. Review status: criteria provided, single submitter. Criteria: GeneDx Variant Classification Process June 2021. Collection method: clinical testing. Allele origin: germline. Affected: yes.
Comment: Not observed at significant frequency in large population cohorts (gnomAD); In silico analysis supports that this missense variant has a deleterious effect on protein structure/function; Has not been previously published as pathogenic or benign to our knowledge